The following is an entry in ClinVar:

ClinVar aggregate classification (germline): Uncertain significance (1 of 4 stars; one submission).

Submission:

Labcorp Genetics (formerly Invitae), Labcorp
Classification: Uncertain significance. Last evaluated: 2022-07-06. Review status: criteria provided, single submitter. Criteria: Invitae Variant Classification Sherloc (09022015). Collection method: clinical testing. Allele origin: germline.
Comment: In summary, the available evidence is currently insufficient to determine the role of this variant in disease. Therefore, it has been classified as a Variant of Uncertain Significance. Algorithms developed to predict the effect of missense changes on protein structure and function are either unavailable or do not agree on the potential impact of this missense change (SIFT: "Deleterious"; PolyPhen-2: "Not Available"; Align-GVGD: "Class C0"). This variant has not been reported in the literature in individuals affected with PCLO-related conditions. This variant is not present in population databases (gnomAD no frequency). This sequence change replaces leucine, which is neutral and non-polar, with glutamine, which is neutral and polar, at codon 4437 of the PCLO protein (p.Leu4437Gln).

NM_033026.6(PCLO):c.13310T>A (p.Leu4437Gln)

Gene: PCLO (piccolo presynaptic cytomatrix protein; minus strand). Cytogenetic location: 7q21.11.
Variant type: single nucleotide variant.
Coding change: c.13310T>A on transcript NM_033026.6 (MANE Select); coding-DNA position 13310, T replaced by A.
Protein change: p.Leu4437Gln; replaces leucine 4437 with glutamine.
Molecular consequence: missense variant.
Genome position (GRCh38, 1-based): chr7:82,909,004, A>T on the plus strand (T>A on the coding strand, the complement: PCLO is on the minus strand). VCF-style: chr7-82909004-A-T. GRCh37 (hg19) VCF-style: chr7-82538320-A-T.
Other names: c.13310T>A, p.Leu4437Gln (NM_014510.3); short protein forms L4437Q.
Identifiers: ClinVar variation 2069699 (VCV002069699.4), dbSNP rs2535529492, ClinGen allele CA367880956.